The following is an entry in ClinVar:

NM_003322.6(TULP1):c.719G>A (p.Gly240Asp)

Gene: TULP1 (TUB like protein 1; minus strand). Cytogenetic location: 6p21.31.
Variant type: single nucleotide variant.
Coding change: c.719G>A on transcript NM_003322.6 (MANE Select); coding-DNA position 719, G replaced by A.
Protein change: p.Gly240Asp; replaces glycine 240 with aspartic acid.
Molecular consequence: missense variant.
Genome position (GRCh38, 1-based): chr6:35,509,312, C>T on the plus strand (G>A on the coding strand, the complement: TULP1 is on the minus strand). VCF-style: chr6-35509312-C-T. GRCh37 (hg19) VCF-style: chr6-35477089-C-T.
Other names: c.560G>A, p.Gly187Asp (NM_001289395.2); short protein forms G240D, G187D.
Identifiers: ClinVar variation 906836 (VCV000906836.9), dbSNP rs773120841, ClinGen allele CA3772822.
Genomic context (GRCh38, chr6:35,509,312, plus strand): 5'-TTTATCACCGTAGCTGCCTCCTCCTCCTCTTCTTCCTCCTTCCTCGCGCCTTTGGGAGTG[C>T]CTGAGCGTGGAGGGGGAAACAAGGCTGTGAACTCCTCACCCTGGTTTGCAAAGTGCTTCC-3'
Protein context (NP_003313.3, residues 230-250): SPDKKALKKK[Gly240Asp]TPKGARKEEE

ClinVar aggregate classification (germline): Uncertain significance. Review status: criteria provided, multiple submitters, no conflicts (2 of 4 stars). 4 submissions from 3 submitters: Uncertain significance (4). Last evaluated 2024-02-01.

Conditions:
Retinitis pigmentosa (RP). Identifiers: Orphanet 791, MedGen C0035334, MeSH D012174, MONDO:0019200, OMIM 268000. Inheritance: Autosomal dominant, autosomal recessive and X linked inheritance.
Leber congenital amaurosis 15 (LCA15). Identifiers: Orphanet 65, MedGen C3151206, MONDO:0013457, OMIM 613843.

Allele frequency attached by ClinVar (database versions not stated): gnomAD 0.00002 and 0.00003; TOPMed 0.00002.
gnomAD v4.1: 14 of 1,613,852 alleles (0.00087%); highest among the groups gnomAD compares: Non-Finnish European, 0.0012%; no homozygotes.

Submissions (4):

Blueprint Genetics
Classification: Uncertain significance. Last evaluated: 2024-02-01. Review status: criteria provided, single submitter. Criteria: ACMG Guidelines, 2015. Collection method: clinical testing. Allele origin: germline.

Labcorp Genetics (formerly Invitae), Labcorp
Classification: Uncertain significance. Last evaluated: 2021-09-24. Review status: criteria provided, single submitter. Criteria: Invitae Variant Classification Sherloc (09022015). Collection method: clinical testing. Allele origin: germline.
Comment: This sequence change replaces glycine with aspartic acid at codon 240 of the TULP1 protein (p.Gly240Asp). The glycine residue is weakly conserved and there is a moderate physicochemical difference between glycine and aspartic acid. This variant is present in population databases (rs773120841, ExAC 0.001%). This variant has not been reported in the literature in individuals affected with TULP1-related conditions. ClinVar contains an entry for this variant (Variation ID: 906836). Algorithms developed to predict the effect of missense changes on protein structure and function are either unavailable or do not agree on the potential impact of this missense change (SIFT: "Not Available"; PolyPhen-2: "Benign"; Align-GVGD: "Not Available"). In summary, the available evidence is currently insufficient to determine the role of this variant in disease. Therefore, it has been classified as a Variant of Uncertain Significance.

Illumina Laboratory Services, Illumina
Classification: Uncertain significance for Retinitis pigmentosa. Last evaluated: 2018-01-13. Review status: criteria provided, single submitter. Criteria: ICSL Variant Classification Criteria 13 December 2019. Collection method: clinical testing. Allele origin: germline.

Illumina Laboratory Services, Illumina
Classification: Uncertain significance for Leber congenital amaurosis 15. Last evaluated: 2018-01-13. Review status: criteria provided, single submitter. Criteria: ICSL Variant Classification Criteria 13 December 2019. Collection method: clinical testing. Allele origin: germline.